The following is an entry in ClinVar:

NM_001184900.3(CARD8):c.848G>A (p.Arg283Gln)

Gene: CARD8 (caspase recruitment domain family member 8; minus strand). Cytogenetic location: 19q13.33.
Variant type: single nucleotide variant.
Coding change: c.848G>A on transcript NM_001184900.3 (MANE Select); coding-DNA position 848, G replaced by A.
Protein change: p.Arg283Gln; replaces arginine 283 with glutamine.
Molecular consequence: missense variant. On other transcripts: non-coding transcript variant (4).
Genome position (GRCh38, 1-based): chr19:48,230,625, C>T on the plus strand (G>A on the coding strand, the complement: CARD8 is on the minus strand). VCF-style: chr19-48230625-C-T. GRCh37 (hg19) VCF-style: chr19-48733882-C-T.
Other names: c.605G>A, p.Arg202Gln (NM_001351790.2); c.533G>A, p.Arg178Gln (NM_001351791.2, NM_001351792.2, NM_001351784.2 and 1 more transcripts); c.530G>A, p.Arg177Gln (NM_001365950.1); c.698G>A, p.Arg233Gln (NM_014959.5, NM_001184901.1, NM_001351783.2 and 2 more transcripts); c.848G>A, p.Arg283Gln (NM_001184902.2, NM_001184903.1, NM_001351782.2); c.512G>A, p.Arg171Gln (NM_001351786.2); short protein forms R171Q, R283Q, R177Q, R178Q, R202Q, R233Q.
Identifiers: ClinVar variation 3715060 (VCV003715060.2).

ClinVar aggregate classification (germline): Uncertain significance (1 of 4 stars; one submission).

gnomAD v4.1: 33 of 1,613,956 alleles (0.002%); highest among the groups gnomAD compares: Admixed American, 0.012%; no homozygotes.

Submission:

Labcorp Genetics (formerly Invitae), Labcorp
Classification: Uncertain significance. Last evaluated: 2025-11-03. Review status: criteria provided, single submitter. Criteria: Invitae Variant Classification Sherloc (09022015). Collection method: clinical testing. Allele origin: germline.
Comment: This sequence change replaces arginine, which is basic and polar, with glutamine, which is neutral and polar, at codon 233 of the CARD8 protein (p.Arg233Gln). This variant is present in population databases (rs578012741, gnomAD 0.01%). This variant has not been reported in the literature in individuals affected with CARD8-related conditions. ClinVar contains an entry for this variant (Variation ID: 3715060). An algorithm developed to predict the effect of missense changes on protein structure and function (PolyPhen-2) suggests that this variant is likely to be disruptive. In summary, the available evidence is currently insufficient to determine the role of this variant in disease. Therefore, it has been classified as a Variant of Uncertain Significance.